The following is an entry in ClinVar:

NM_001135629.3(PPP1R21):c.126+2T>C

Gene: PPP1R21 (protein phosphatase 1 regulatory subunit 21; plus strand). Cytogenetic location: 2p16.3.
Variant type: single nucleotide variant.
Coding change: c.126+2T>C on transcript NM_001135629.3 (MANE Select); the canonical splice donor site of the intron after coding-DNA position 126, T replaced by C.
Molecular consequence: splice donor variant.
Genome position (GRCh38, 1-based): chr2:48,451,078, T>C. VCF-style: chr2-48451078-T-C. GRCh37 (hg19) VCF-style: chr2-48678217-T-C.
Other names: NC_000002.11:g.48678217T>C; c.126+2T>C (NM_152994.5, NM_001193475.2).
Identifiers: ClinVar variation 2572420 (VCV002572420.2), dbSNP rs2528822984, ClinGen allele CA346739083.
Genomic context (GRCh38, chr2:48,451,078, plus strand): 5'-AGAATCAGGTTCTGAAAAAAGGTGTTGTGGATGAACAAGCAAATTCTGCAGCTTTAAAGG[T>C]GGGCAACAGGATATTTGTGTTGTGAGGGTTAAGTTAGCATTTGGTGTTGCTCAAAGCAGG-3'

ClinVar aggregate classification (germline): Likely pathogenic (1 of 4 stars; one submission).

Conditions:
Neurodevelopmental disorder with hypotonia, facial dysmorphism, and brain abnormalities (NEDHFBA). Also called: EL-HATTAB-SCHMIDTS SYNDROME; PPP1R21-Related El-Hattab-Schmidts Syndrome. Identifiers: MedGen C5543591, MONDO:0859165, OMIM 619383.

Submissions (2):

3billion
Classification: Likely pathogenic for Neurodevelopmental disorder with hypotonia, facial dysmorphism, and brain abnormalities. Review status: criteria provided, single submitter. Criteria: ACMG Guidelines, 2015. Collection method: clinical testing. Allele origin: unknown. Affected: yes. Observed: 1 heterozygote.
Comment: The variant is not observed in the gnomAD v2.1.1 dataset. The variant is predicted to alter splicing and result in a loss or disruption of normal protein function. Multiple pathogenic loss-of-function variants are reported downstream of the variant. Therefore, this variant is classified as Likely pathogenic according to the recommendation of ACMG/AMP guideline.

Dr. Peter K. Rogan Lab, Western University
No classification provided (evidence only). Condition: Thyroid cancer, nonmedullary, 1. Review status: no classification provided. Collection method: in vitro. Allele origin: not applicable. Functional consequence: retained intron. Not counted in ClinVar's aggregate classification.